The following is an entry in ClinVar:

NM_022552.5(DNMT3A):c.1138G>A (p.Ala380Thr)

Gene: DNMT3A (DNA methyltransferase 3 alpha; minus strand). Cytogenetic location: 2p23.3.
Variant type: single nucleotide variant.
Coding change: c.1138G>A on transcript NM_022552.5 (MANE Select); coding-DNA position 1138, G replaced by A.
Protein change: p.Ala380Thr; replaces alanine 380 with threonine.
Molecular consequence: missense variant. On other transcripts: non-coding transcript variant (1).
Genome position (GRCh38, 1-based): chr2:25,246,761, C>T on the plus strand (G>A on the coding strand, the complement: DNMT3A is on the minus strand). VCF-style: chr2-25246761-C-T. GRCh37 (hg19) VCF-style: chr2-25469630-C-T.
Other names: c.682G>A, p.Ala228Thr (NM_001320893.1); c.469G>A, p.Ala157Thr (NM_001375819.1); c.571G>A, p.Ala191Thr (NM_153759.3); c.1138G>A, p.Ala380Thr (NM_175629.2); short protein forms A157T, A191T, A228T, A380T.
Identifiers: ClinVar variation 2440980 (VCV002440980.9), dbSNP rs762563426, ClinGen allele CA1556127.

ClinVar aggregate classification (germline): Uncertain significance. Review status: criteria provided, multiple submitters, no conflicts (2 of 4 stars). 3 submissions from 3 submitters: Uncertain significance (3). Last evaluated 2026-05-05.

Conditions:
DNMT3A-related disorder. Also called: DNMT3A-related disorders; DNMT3A-related condition.
Tatton-Brown-Rahman overgrowth syndrome. Also called: Tall stature-intellectual disability-facial dysmorphism syndrome; Tatton-Brown-Rahman syndrome. Identifiers: Orphanet 404443, MedGen C4014545, MONDO:0014382, OMIM 615879.

Allele frequency attached by ClinVar (database versions not stated): ExAC 0.00003; gnomAD 0.00005; TOPMed 0.00005.
gnomAD v4.1: 54 of 1,613,484 alleles (0.0033%); highest among the groups gnomAD compares: African/African-American, 0.0067%; no homozygotes.

Submissions (3):

PreventionGenetics, part of Exact Sciences
Classification: Uncertain significance for DNMT3A-related condition. Last evaluated: 2026-05-05. Review status: criteria provided, single submitter. Criteria: ACMG Guidelines, 2015. Collection method: clinical testing. Allele origin: germline.
Comment: The DNMT3A c.1138G>A variant is predicted to result in the amino acid substitution p.Ala380Thr. This variant has been reported as de novo in an individual with atrial septal defect (Patient ID 1-02641 in Supplementary Database 2, Edwards et al. 2020. PubMed ID: 32368696). This variant is reported in 0.0081% of alleles in individuals of African descent in gnomAD. At this time, the clinical significance of this variant is uncertain due to the absence of conclusive functional and genetic evidence.

Labcorp Genetics (formerly Invitae), Labcorp
Classification: Uncertain significance for Tatton-Brown-Rahman overgrowth syndrome. Last evaluated: 2025-08-31. Review status: criteria provided, single submitter. Criteria: Invitae Variant Classification Sherloc (09022015). Collection method: clinical testing. Allele origin: germline.
Comment: This sequence change replaces alanine, which is neutral and non-polar, with threonine, which is neutral and polar, at codon 380 of the DNMT3A protein (p.Ala380Thr). This variant is present in population databases (rs762563426, gnomAD 0.008%). This variant has not been reported in the literature in individuals affected with DNMT3A-related conditions. ClinVar contains an entry for this variant (Variation ID: 2440980). Invitae Evidence Modeling of protein sequence and biophysical properties (such as structural, functional, and spatial information, amino acid conservation, physicochemical variation, residue mobility, and thermodynamic stability) has been performed for this missense variant. However, the output from this modeling did not meet the statistical confidence thresholds required to predict the impact of this variant on DNMT3A protein function. In summary, the available evidence is currently insufficient to determine the role of this variant in disease. Therefore, it has been classified as a Variant of Uncertain Significance.

Revvity Omics, Revvity
Classification: Uncertain significance. Last evaluated: 2020-11-27. Review status: criteria provided, single submitter. Criteria: ACMG Guidelines, 2015. Collection method: clinical testing. Allele origin: germline.